The following is an entry in ClinVar:

ClinVar aggregate classification (germline): Uncertain significance (1 of 4 stars; one submission).

Conditions:
Inborn genetic diseases. Identifiers: MedGen C0950123, MeSH D030342.

Submission:

Ambry Genetics
Classification: Uncertain significance for Inborn genetic diseases. Last evaluated: 2025-07-28. Review status: criteria provided, single submitter. Criteria: Ambry Variant Classification Scheme 2023. Collection method: clinical testing. Allele origin: germline.
Comment: The p.P394A variant (also known as c.1180C>G), located in coding exon 6 of the PIK3CA gene, results from a C to G substitution at nucleotide position 1180. The proline at codon 394 is replaced by alanine, an amino acid with highly similar properties. This amino acid position is conserved. In addition, this alteration is predicted to be tolerated by in silico analysis. Based on the available evidence, the clinical significance of this variant remains unclear.

NM_006218.4(PIK3CA):c.1180C>G (p.Pro394Ala)

Gene: PIK3CA (phosphatidylinositol-4,5-bisphosphate 3-kinase catalytic subunit alpha; plus strand). Cytogenetic location: 3q26.32.
Variant type: single nucleotide variant.
Coding change: c.1180C>G on transcript NM_006218.4 (MANE Select); coding-DNA position 1180, C replaced by G.
Protein change: p.Pro394Ala; replaces proline 394 with alanine.
Molecular consequence: missense variant.
Genome position (GRCh38, 1-based): chr3:179,209,629, C>G. VCF-style: chr3-179209629-C-G. GRCh37 (hg19) VCF-style: chr3-178927417-C-G.
Other names: short protein forms P394A.
Identifiers: ClinVar variation 4136792 (VCV004136792.1).